The following is an entry in ClinVar:

NM_207122.2(EXT2):c.849C>T (p.Leu283=)

Gene: EXT2 (exostosin glycosyltransferase 2; plus strand). Cytogenetic location: 11p11.2.
Variant type: single nucleotide variant.
Coding change: c.849C>T on transcript NM_207122.2 (MANE Select); coding-DNA position 849, C replaced by T.
Protein change: p.Leu283=; no amino-acid change (leucine 283 retained).
Molecular consequence: synonymous variant.
Genome position (GRCh38, 1-based): chr11:44,124,894, C>T. VCF-style: chr11-44124894-C-T. GRCh37 (hg19) VCF-style: chr11-44146444-C-T.
Other names: c.948C>T, p.Leu316= (NM_000401.3); c.849C>T, p.Leu283= (NM_001178083.3, NM_001389628.1, NM_001389630.1).
Identifiers: ClinVar variation 304580 (VCV000304580.11), dbSNP rs749093709, ClinGen allele CA5955018.

ClinVar aggregate classification (germline): Likely benign. Review status: criteria provided, multiple submitters, no conflicts (2 of 4 stars). 2 submissions from 2 submitters: Likely benign (2). Last evaluated 2025-09-10.

Conditions:
Exostoses, multiple, type 2 (EXT2). Also called: Hereditary Multiple Osteochondromatosis, Type II; EXOSTOSES, MULTIPLE, TYPE II. Identifiers: Orphanet 321, MedGen C1851413, MONDO:0007586, OMIM 133701.

Allele frequency attached by ClinVar (database versions not stated): gnomAD 0.00004 and 0.00005; gnomAD exomes 0.00005 and 0.00016; ExAC 0.00012; TOPMed 0.00013.
gnomAD v4.1: 75 of 1,613,932 alleles (0.0046%); highest among the groups gnomAD compares: Admixed American, 0.078%; no homozygotes.

Submissions (2):

Labcorp Genetics (formerly Invitae), Labcorp
Classification: Likely benign for Exostoses, multiple, type 2. Last evaluated: 2025-09-10. Review status: criteria provided, single submitter. Criteria: Invitae Variant Classification Sherloc (09022015). Collection method: clinical testing. Allele origin: germline.

Illumina Laboratory Services, Illumina
Classification: Likely benign for Exostoses, multiple, type 2. Last evaluated: 2017-04-27. Review status: criteria provided, single submitter. Criteria: ICSL Variant Classification Criteria 13 December 2019. Collection method: clinical testing. Allele origin: germline.
Comment: This variant was observed as part of a predisposition screen in an ostensibly healthy population. A literature search was performed for the gene, cDNA change, and amino acid change (where applicable). No publications were found based on this search. Allele frequency data from public databases allowed determination this variant is unlikely to cause disease. Therefore, this variant is classified as likely benign.